The following is an entry in ClinVar:

NM_001364905.1(LRBA):c.7928del (p.Asn2643fs)

Gene: LRBA (LPS responsive beige-like anchor protein; minus strand). Cytogenetic location: 4q31.3.
Variant type: Deletion.
Coding change: c.7928del on transcript NM_001364905.1 (MANE Select); coding-DNA position 7928, one base deleted (A; older notation c.7928delA).
Protein change: p.Asn2643fs; shifts the reading frame from asparagine 2643.
Molecular consequence: frameshift variant.
Genome position (GRCh38, 1-based): chr4:150,302,714, T deleted on the plus strand (A on the coding strand, the reverse complement: LRBA is on the minus strand); the first of 3 consecutive T bases (chr4:150,302,714-150,302,716); deleting any one gives the same sequence. VCF-style (leftmost placement, unchanged base first): chr4-150302713-AT-A. GRCh37 (hg19) VCF-style: chr4-151223865-AT-A.
Other names: c.7926delA, p.Asn2643Ilefs (NM_001199282.3); c.7943del, p.Asn2648fs (NM_001367550.1); c.7959delA, p.Asn2654Ilefs (NM_006726.5); short protein forms N2648fs, N2643fs, N2654fs.
Identifiers: ClinVar variation 1453544 (VCV001453544.6), dbSNP rs2126848251, ClinGen allele CA2573138082.
Genomic context (GRCh38, chr4:150,302,713, plus strand): 5'-TTTTCCATTCCAATACCACAGCAAAAGAGTTGCATCACGTGACCCTGAGAGAATGTAGCA[AT>A]TTCCCCCAATATATGACTCAGAACGAGCAAGGCAAGTGACGACATCCCAATGGCCAAACA-3'

ClinVar aggregate classification (germline): Pathogenic (1 of 4 stars; one submission).

Conditions:
Combined immunodeficiency due to LRBA deficiency. Also called: Common variable immunodeficiency 8, with autoimmunity. Identifiers: Orphanet 445018, MedGen C3553512, MONDO:0013863, OMIM 614700.

Submission:

Labcorp Genetics (formerly Invitae), Labcorp
Classification: Pathogenic for Combined immunodeficiency due to LRBA deficiency. Last evaluated: 2021-04-08. Review status: criteria provided, single submitter. Criteria: Invitae Variant Classification Sherloc (09022015). Collection method: clinical testing. Allele origin: germline.
Comment: For these reasons, this variant has been classified as Pathogenic. This variant has not been reported in the literature in individuals with LRBA-related conditions. This variant is not present in population databases (ExAC no frequency). This sequence change creates a premature translational stop signal (p.Asn2654Ilefs*40) in the LRBA gene. It is expected to result in an absent or disrupted protein product. Loss-of-function variants in LRBA are known to be pathogenic (PMID: 26206937, 26768763).

Literature cited by the submitters: PubMed 26206937; PubMed 26768763.